The following is an entry in ClinVar:

NM_198252.3(GSN):c.1934A>G (p.Asp645Gly)

Gene: GSN (gelsolin; plus strand). Cytogenetic location: 9q33.2.
Variant type: single nucleotide variant.
Coding change: c.1934A>G on transcript NM_198252.3 (MANE Select); coding-DNA position 1934, A replaced by G.
Protein change: p.Asp645Gly; replaces aspartic acid 645 with glycine.
Molecular consequence: missense variant.
Genome position (GRCh38, 1-based): chr9:121,329,284, A>G. VCF-style: chr9-121329284-A-G. GRCh37 (hg19) VCF-style: chr9-124091562-A-G.
Other names: c.2087A>G, p.Asp696Gly (NM_000177.5); c.1934A>G, p.Asp645Gly (NM_001127662.2, NM_001127664.2, NM_001127665.2 and 10 more transcripts); c.2042A>G, p.Asp681Gly (NM_001127663.2); c.1967A>G, p.Asp656Gly (NM_001127666.2, NM_001127667.2, NM_001353063.2 and 13 more transcripts); c.1985A>G, p.Asp662Gly (NM_001258029.2); c.1958A>G, p.Asp653Gly (NM_001258030.2); c.2006A>G, p.Asp669Gly (NM_001353076.2); c.1280A>G, p.Asp427Gly (NM_001353078.2); short protein forms D681G, D645G, D656G, D662G, D696G, D427G, D653G, D669G.
Identifiers: ClinVar variation 2792173 (VCV002792173.3), dbSNP rs1406476188, ClinGen allele CA374758235.

ClinVar aggregate classification (germline): Uncertain significance (1 of 4 stars; one submission).

Allele frequency attached by ClinVar (database versions not stated): gnomAD exomes below 0.00001; TOPMed 0.00001.
gnomAD v4.1: 3 of 1,611,570 alleles (0.00019%); highest among the groups gnomAD compares: Non-Finnish European, 0.00025%; no homozygotes.

Submission:

Labcorp Genetics (formerly Invitae), Labcorp
Classification: Uncertain significance. Last evaluated: 2023-09-10. Review status: criteria provided, single submitter. Criteria: Invitae Variant Classification Sherloc (09022015). Collection method: clinical testing. Allele origin: germline.
Comment: This sequence change replaces aspartic acid, which is acidic and polar, with glycine, which is neutral and non-polar, at codon 696 of the GSN protein (p.Asp696Gly). This variant is present in population databases (no rsID available, gnomAD 0.0009%). This variant has not been reported in the literature in individuals affected with GSN-related conditions. Advanced modeling of protein sequence and biophysical properties (such as structural, functional, and spatial information, amino acid conservation, physicochemical variation, residue mobility, and thermodynamic stability) performed at Invitae indicates that this missense variant is expected to disrupt GSN protein function. In summary, the available evidence is currently insufficient to determine the role of this variant in disease. Therefore, it has been classified as a Variant of Uncertain Significance.